The following is an entry in ClinVar:

NM_006372.5(SYNCRIP):c.848A>G (p.Lys283Arg)

Gene: SYNCRIP (synaptotagmin binding cytoplasmic RNA interacting protein; minus strand). Cytogenetic location: 6q14.3.
Variant type: single nucleotide variant.
Coding change: c.848A>G on transcript NM_006372.5 (MANE Select); coding-DNA position 848, A replaced by G.
Protein change: p.Lys283Arg; replaces lysine 283 with arginine.
Molecular consequence: missense variant.
Genome position (GRCh38, 1-based): chr6:85,622,642, T>C on the plus strand (A>G on the coding strand, the complement: SYNCRIP is on the minus strand). VCF-style: chr6-85622642-T-C. GRCh37 (hg19) VCF-style: chr6-86332360-T-C.
Other names: c.554A>G, p.Lys185Arg (NM_001159673.2, NM_001410938.1); c.848A>G, p.Lys283Arg (NM_001159674.2, NM_001159675.2, NM_001159676.2 and 1 more transcripts); c.392A>G, p.Lys131Arg (NM_001253771.2); short protein forms K131R, K185R, K283R.
Identifiers: ClinVar variation 3777514 (VCV003777514.1).

ClinVar aggregate classification (germline): Uncertain significance (1 of 4 stars; one submission).

gnomAD v4.1: 1 of 1,614,234 alleles (0.000062%); highest among the groups gnomAD compares: Non-Finnish European, 0.000085%; no homozygotes.

Submission:

GeneDx
Classification: Uncertain significance. Last evaluated: 2024-10-08. Review status: criteria provided, single submitter. Criteria: GeneDx Variant Classification Process June 2021. Collection method: clinical testing. Allele origin: germline. Affected: yes.
Comment: Not observed at significant frequency in large population cohorts (gnomAD); In silico analysis indicates that this missense variant does not alter protein structure/function; Has not been previously published as pathogenic or benign to our knowledge